The following is an entry in ClinVar:

ClinVar aggregate classification (germline): Likely benign (0 of 4 stars; one submission).

Conditions:
BSN-related disorder. Also called: BSN-related condition.

Allele frequency attached by ClinVar (database versions not stated): ExAC 0.00041; 1000 Genomes Project 30x 0.00141; ESP Exome Variant Server 0.00154; 1000 Genomes Project 0.00160.
gnomAD v4.1: 371 of 1,612,072 alleles (0.023%); highest among the groups gnomAD compares: African/African-American, 0.44%; 1 homozygote.

Submission:

PreventionGenetics, part of Exact Sciences
Classification: Likely benign for BSN-related condition. Last evaluated: 2019-11-16. Review status: no assertion criteria provided. Collection method: clinical testing. Allele origin: germline.
Comment: This variant is classified as likely benign based on ACMG/AMP sequence variant interpretation guidelines (Richards et al. 2015 PMID: 25741868, with internal and published modifications).

NM_003458.4(BSN):c.3765C>T (p.Ala1255=)

Gene: BSN (bassoon presynaptic cytomatrix protein; plus strand). Cytogenetic location: 3p21.31.
Variant type: single nucleotide variant.
Coding change: c.3765C>T on transcript NM_003458.4 (MANE Select); coding-DNA position 3765, C replaced by T.
Protein change: p.Ala1255=; no amino-acid change (alanine 1255 retained).
Molecular consequence: synonymous variant.
Genome position (GRCh38, 1-based): chr3:49,653,321, C>T. VCF-style: chr3-49653321-C-T. GRCh37 (hg19) VCF-style: chr3-49690754-C-T.
Identifiers: ClinVar variation 3048662 (VCV003048662.2), dbSNP rs114065907, ClinGen allele CA2400018.